The following is an entry in ClinVar:

ClinVar aggregate classification (germline): Uncertain significance (1 of 4 stars; one submission).

Submission:

Labcorp Genetics (formerly Invitae), Labcorp
Classification: Uncertain significance. Last evaluated: 2024-09-04. Review status: criteria provided, single submitter. Criteria: Invitae Variant Classification Sherloc (09022015). Collection method: clinical testing. Allele origin: germline.
Comment: This sequence change replaces lysine, which is basic and polar, with glutamic acid, which is acidic and polar, at codon 155 of the POLA1 protein (p.Lys155Glu). This variant is not present in population databases (gnomAD no frequency). This variant has not been reported in the literature in individuals affected with POLA1-related conditions. Invitae Evidence Modeling of protein sequence and biophysical properties (such as structural, functional, and spatial information, amino acid conservation, physicochemical variation, residue mobility, and thermodynamic stability) indicates that this missense variant is not expected to disrupt POLA1 protein function with a negative predictive value of 80%. In summary, the available evidence is currently insufficient to determine the role of this variant in disease. Therefore, it has been classified as a Variant of Uncertain Significance.

NM_001330360.2(POLA1):c.481A>G (p.Lys161Glu)

Gene: POLA1 (DNA polymerase alpha 1, catalytic subunit; plus strand). Cytogenetic location: Xp22.11.
Variant type: single nucleotide variant.
Coding change: c.481A>G on transcript NM_001330360.2 (MANE Select); coding-DNA position 481, A replaced by G.
Protein change: p.Lys161Glu; replaces lysine 161 with glutamic acid.
Molecular consequence: missense variant. On other transcripts: non-coding transcript variant (2).
Genome position (GRCh38, 1-based): chrX:24,715,159, A>G. VCF-style: chrX-24715159-A-G. GRCh37 (hg19) VCF-style: chrX-24733276-A-G.
Other names: c.481A>G, p.Lys161Glu (NM_001378303.1); c.463A>G, p.Lys155Glu (NM_016937.4); short protein forms K161E, K155E.
Identifiers: ClinVar variation 3662835 (VCV003662835.2).
Genomic context (GRCh38, chrX:24,715,159, plus strand): 5'-AGTGCAAGGCTTTCTCATGTTACCTTTCTTTATCATTTCCAGAAAGCTGTAGACTTGTCC[A>G]AGGATGGTCTGCTAGGTGACATTCTACAGGATCTTAACACTGAGGTAAATGAATCTCCAG-3'
Protein context (NP_001317289.1, residues 151-171): KTADKAVDLS[Lys161Glu]DGLLGDILQD